The following is an entry in ClinVar:

ClinVar aggregate classification (germline): Uncertain significance (1 of 4 stars; one submission).

Conditions:
Mowat-Wilson syndrome (MOWS). Also called: Classic Mowat-Wilson Syndrome. Identifiers: Orphanet 2152, MedGen C1856113, MONDO:0009341, OMIM 235730.

Submission:

Labcorp Genetics (formerly Invitae), Labcorp
Classification: Uncertain significance for Mowat-Wilson syndrome. Last evaluated: 2022-03-23. Review status: criteria provided, single submitter. Criteria: Invitae Variant Classification Sherloc (09022015). Collection method: clinical testing. Allele origin: germline.
Comment: In summary, the available evidence is currently insufficient to determine the role of this variant in disease. Therefore, it has been classified as a Variant of Uncertain Significance. Experimental studies and prediction algorithms are not available or were not evaluated, and the functional significance of this variant is currently unknown. This variant has not been reported in the literature in individuals affected with ZEB2-related conditions. This variant is a gross deletion of the genomic region encompassing exon(s) 4 of the ZEB2 gene. This variant would be expected to be in-frame, preserving the integrity of the reading frame.

NC_000002.11:g.(?_145182343)_(145182454_?)del

Gene: ZEB2 (zinc finger E-box binding homeobox 2; minus strand). Cytogenetic location: 2q22.3.
Variant type: Deletion.
Identifiers: ClinVar variation 1007970 (VCV001007970.3).